The following is an entry in ClinVar:

NM_016148.5(SHANK1):c.1388G>A (p.Gly463Asp)

Gene: SHANK1 (SH3 and multiple ankyrin repeat domains 1; minus strand). Cytogenetic location: 19q13.33.
Variant type: single nucleotide variant.
Coding change: c.1388G>A on transcript NM_016148.5 (MANE Select); coding-DNA position 1388, G replaced by A.
Protein change: p.Gly463Asp; replaces glycine 463 with aspartic acid.
Molecular consequence: missense variant.
Genome position (GRCh38, 1-based): chr19:50,703,665, C>T on the plus strand (G>A on the coding strand, the complement: SHANK1 is on the minus strand). VCF-style: chr19-50703665-C-T. GRCh37 (hg19) VCF-style: chr19-51206922-C-T.
Other names: short protein forms G463D.
Identifiers: ClinVar variation 3899018 (VCV003899018.1).

ClinVar aggregate classification (germline): Uncertain significance (1 of 4 stars; one submission).

Submission:

GeneDx
Classification: Uncertain significance. Last evaluated: 2024-11-05. Review status: criteria provided, single submitter. Criteria: GeneDx Variant Classification Process June 2021. Collection method: clinical testing. Allele origin: germline. Affected: yes.
Comment: Not observed at significant frequency in large population cohorts (gnomAD); In silico analysis supports that this missense variant has a deleterious effect on protein structure/function; Has not been previously published as pathogenic or benign to our knowledge